The following is an entry in ClinVar:

ClinVar aggregate classification (germline): Benign. Review status: criteria provided, multiple submitters, no conflicts (2 of 4 stars). 2 submissions from 2 submitters: Benign (2). Last evaluated 2018-06-15.

Allele frequency attached by ClinVar (database versions not stated): 1000 Genomes Project 0.99481; 1000 Genomes Project 30x 0.99500; TOPMed 0.99748; gnomAD 0.99763 and 0.99771; gnomAD exomes 0.99983.
gnomAD v4.1: 1,200,478 of 1,201,040 alleles (100%); highest among the groups gnomAD compares: East Asian, 100%; 599,961 homozygotes.

Submissions (2):

GeneDx
Classification: Benign. Last evaluated: 2018-06-15. Review status: criteria provided, single submitter. Criteria: GeneDx Variant Classification (06012015). Collection method: clinical testing. Allele origin: germline. Affected: yes.
Comment: This variant is considered likely benign or benign based on one or more of the following criteria: it is a conservative change, it occurs at a poorly conserved position in the protein, it is predicted to be benign by multiple in silico algorithms, and/or has population frequency not consistent with disease.

Breakthrough Genomics
Classification: Benign. Review status: criteria provided, single submitter. Criteria: ACMG Guidelines, 2015. Collection method: not provided. Allele origin: germline. Inheritance: Autosomal dominant inheritance. Affected: yes.

NM_001035.3(RYR2):c.8436+85G>A

Gene: RYR2 (ryanodine receptor 2; plus strand). Cytogenetic location: 1q43.
Variant type: single nucleotide variant.
Coding change: c.8436+85G>A on transcript NM_001035.3 (MANE Select); 85 bases into the intron after coding-DNA position 8436, G replaced by A.
Molecular consequence: intron variant.
Genome position (GRCh38, 1-based): chr1:237,661,032, G>A. VCF-style: chr1-237661032-G-A. GRCh37 (hg19) VCF-style: chr1-237824332-G-A.
Identifiers: ClinVar variation 671026 (VCV000671026.2), dbSNP rs471647, ClinGen allele CA39806101.